The following is an entry in ClinVar:

NM_004281.4(BAG3):c.*319C>T

Gene: BAG3 (BAG cochaperone 3; plus strand). Cytogenetic location: 10q26.11.
Variant type: single nucleotide variant.
Coding change: c.*319C>T on transcript NM_004281.4 (MANE Select); 319 bases downstream of the stop codon, C replaced by T.
Molecular consequence: 3 prime UTR variant.
Genome position (GRCh38, 1-based): chr10:119,677,601, C>T. VCF-style: chr10-119677601-C-T. GRCh37 (hg19) VCF-style: chr10-121437113-C-T.
Identifiers: ClinVar variation 298970 (VCV000298970.5), dbSNP rs148967962, ClinGen allele CA10631058.
Genomic context (GRCh38, chr10:119,677,601, plus strand): 5'-TACTTGGGCACCCCCACCACCTGTTAGCTGTGGTTGTGCACTGTCTTTTGTAGCTCTGGA[C>T]TGGAGGGGTAGATGGGGAGTCAATTACCCATCACATAAATATGAAACATTTATCAGAAAT-3'

ClinVar aggregate classification (germline): Conflicting classifications of pathogenicity. Review status: criteria provided, conflicting classifications (1 of 4 stars). 2 submissions from 1 submitter: Uncertain significance (1); Benign (1). Last evaluated 2018-01-13.

Conditions:
Dilated cardiomyopathy 1HH (CMD1HH). Identifiers: Orphanet 154, MedGen C3151293, MONDO:0013479, OMIM 613881.
Myofibrillar myopathy 6. Identifiers: Orphanet 199340, MedGen C2751831, MONDO:0013061, OMIM 612954.

Allele frequency attached by ClinVar (database versions not stated): gnomAD exomes 0.00037; TOPMed 0.00162; 1000 Genomes Project 30x 0.00219; 1000 Genomes Project 0.00220.

Submissions (2):

Illumina Laboratory Services, Illumina
Classification: Uncertain significance for Dilated cardiomyopathy 1HH. Last evaluated: 2018-01-13. Review status: criteria provided, single submitter. Criteria: ICSL Variant Classification Criteria 13 December 2019. Collection method: clinical testing. Allele origin: germline.

Illumina Laboratory Services, Illumina
Classification: Benign for Myofibrillar myopathy 6. Last evaluated: 2018-01-13. Review status: criteria provided, single submitter. Criteria: ICSL Variant Classification Criteria 13 December 2019. Collection method: clinical testing. Allele origin: germline.
Comment: This variant was observed in the ICSL laboratory as part of a predisposition screen in an ostensibly healthy population. It had not been previously curated by ICSL or reported in the Human Gene Mutation Database (HGMD: prior to June 1st, 2018), and was therefore a candidate for classification through an automated scoring system. Utilizing variant allele frequency, disease prevalence and penetrance estimates, and inheritance mode, an automated score was calculated to assess if this variant is too frequent to cause the disease. Based on the score and internal cut-off values, a variant classified as benign is not then subjected to further curation. The score for this variant resulted in a classification of benign for this disease.